The following is an entry in ClinVar:

NM_001211.6(BUB1B):c.2763G>C (p.Gln921His)

Genes: BUB1B (BUB1 mitotic checkpoint serine/threonine kinase B; plus strand), BUB1B-PAK6 (BUB1B-PAK6 readthrough; plus strand). Cytogenetic location: 15q15.1.
Variant type: single nucleotide variant.
Coding change: c.2763G>C on transcript NM_001211.6 (MANE Select); coding-DNA position 2763, G replaced by C.
Protein change: p.Gln921His; replaces glutamine 921 with histidine.
Molecular consequence: missense variant. On other transcripts: 5 prime UTR variant (2).
Genome position (GRCh38, 1-based): chr15:40,217,580, G>C. VCF-style: chr15-40217580-G-C. GRCh37 (hg19) VCF-style: chr15-40509781-G-C.
Other names: c.-288G>C (NM_001128628.3); c.-205G>C (NM_001128629.3); short protein forms Q921H.
Identifiers: ClinVar variation 6762 (VCV000006762.41), dbSNP rs28989183, ClinGen allele CA118491.

ClinVar aggregate classification (germline): Conflicting classifications of pathogenicity. Review status: criteria provided, conflicting classifications (1 of 4 stars). 10 submissions from 9 submitters: Uncertain significance (7); Likely benign (1). 2 of the submissions do not count toward it. Last evaluated 2025-04-05.

Conditions:
Inborn genetic diseases. Identifiers: MedGen C0950123, MeSH D030342.
Colorectal cancer. Also called: Malignant Colorectal Neoplasm; Colorectal cancer, somatic. Identifiers: MedGen C0346629, MONDO:0005575, OMIM 114500.
Premature chromatid separation trait (PCS). Also called: TOTAL PREMATURE CHROMATID SEPARATION TRAIT. Identifiers: MedGen C1864389, MONDO:0008304, OMIM 176430.
Mosaic variegated aneuploidy syndrome 1 (MVA1). Also called: Warburton-Anyane-Yeboa syndrome. Identifiers: Orphanet 1052, MedGen C1850343, MONDO:0009759, OMIM 257300.

Allele frequency attached by ClinVar (database versions not stated): gnomAD exomes 0.00014 and 0.00021; ExAC 0.00018; TOPMed 0.00024; gnomAD 0.00029 and 0.00031.
gnomAD v4.1: 345 of 1,614,040 alleles (0.021%); highest among the groups gnomAD compares: Non-Finnish European, 0.028%; no homozygotes.

Submissions (10):

Dasa
Classification: Uncertain significance. Last evaluated: 2025-04-05. Review status: criteria provided, single submitter. Criteria: DASA Assertion Criteria. Collection method: clinical testing. Allele origin: germline.
Comment: NM_001211.6(BUB1B):c.2763G>C (p.Gln921His) is a missense variant that results in the substitution of glutamine with histidine. This variant is rare in population databases. Computational prediction algorithms are consistent with a benign effect. The currently available literature and clinical evidence are not sufficient to establish a definitive association between this variant and the reported condition. Therefore, this variant is classified as a variant of uncertain significance.

Labcorp Genetics (formerly Invitae), Labcorp
Classification: Uncertain significance for Mosaic variegated aneuploidy syndrome 1. Last evaluated: 2025-01-30. Review status: criteria provided, single submitter. Criteria: Invitae Variant Classification Sherloc (09022015). Collection method: clinical testing. Allele origin: germline.
Comment: This sequence change replaces glutamine, which is neutral and polar, with histidine, which is basic and polar, at codon 921 of the BUB1B protein (p.Gln921His). This variant is present in population databases (rs28989183, gnomAD 0.04%). This missense change has been observed in individual(s) with mosaic variegated aneuploidy, pancreatic cancer, lung cancer, endometrial cancer, glioblastoma, and melanoma (PMID: 15475955, 18548531, 28767289, 29625052, 36451132). ClinVar contains an entry for this variant (Variation ID: 6762). An algorithm developed to predict the effect of missense changes on protein structure and function (PolyPhen-2) suggests that this variant¬†is likely to be tolerated. Experimental studies have shown that this missense change does not substantially affect BUB1B function (PMID: 20516114). In summary, the available evidence is currently insufficient to determine the role of this variant in disease. Therefore, it has been classified as a Variant of Uncertain Significance.

St. Jude Molecular Pathology, St. Jude Children's Research Hospital
Classification: Uncertain significance for Mosaic variegated aneuploidy syndrome 1. Last evaluated: 2024-08-03. Review status: criteria provided, single submitter. Criteria: St. Jude Assertion Criteria 2020. Collection method: clinical testing. Allele origin: germline.
Comment: The BUB1B c.2763G>C (p.Gln921His) missense variant has a maximum subpopulation frequency of 0.034% in gnomAD v2.1.1. This variant has been reported in a patient with clinical features of mosaic variegated aneuploidy syndrome including IUGR, microcephaly, cryptochidism, and embryonal rhabdomyosarcoma of the palate (PMID: 15475955). The variant was found to be maternally inherited along with a second BUB1B missense variant; the patient had a paternally inherited truncating variant in BUB1B. This variant has been reported as heterozygous in adults with various cancers including glioblastoma, lung squamous cell carcinoma, skin cutaneous melanoma, and uterine corpus endometrial carcinoma (PMID: 29625052, 36451132). The in silico tool REVEL predicts a benign effect on protein function, and the variant behaved similar to the wild-type in functional studies (PMID: 20516114). In summary, the evidence currently available is insufficient to determine the clinical significance of this variant. It has therefore been classified as of uncertain significance.

Fulgent Genetics
Classification: Uncertain significance for Colorectal cancer; Premature chromatid separation trait; Mosaic variegated aneuploidy syndrome 1. Last evaluated: 2024-06-14. Review status: criteria provided, single submitter. Criteria: ACMG Guidelines, 2015. Collection method: clinical testing. Allele origin: germline.

CeGaT Center for Human Genetics Tuebingen
Classification: Likely benign. Last evaluated: 2023-03-01. Review status: criteria provided, single submitter. Criteria: CeGaT Center For Human Genetics Tuebingen Variant Classification Criteria Version 2. Collection method: clinical testing. Allele origin: germline. Affected: yes. Observed: 1 variant allele.
Comment: BUB1B: BP4

Ambry Genetics
Classification: Uncertain significance for Inborn genetic diseases. Last evaluated: 2022-04-04. Review status: criteria provided, single submitter. Criteria: Ambry Variant Classification Scheme 2023. Collection method: clinical testing. Allele origin: germline.

GeneDx
Classification: Uncertain significance. Last evaluated: 2019-12-31. Review status: criteria provided, single submitter. Criteria: GeneDx Variant Classification Process June 2021. Collection method: clinical testing. Allele origin: germline. Affected: yes.
Comment: Observed in individuals with mosaic variegated aneuploidy and in individuals with pancreatic cancer and breast and/or ovarian cancer (Hanks 2004, Garca-Castillo 2008, Maxwell 2016, Shindo 2017); Published functional studies demonstrate no damaging effect: normal protein levels and functionality (Suijkerbuijk 2010); In silico analysis, which includes protein predictors and evolutionary conservation, supports that this variant does not alter protein structure/function; This variant is associated with the following publications: (PMID: 29625052, 18548531, 28767289, 27153395, 15475955, 20516114)

Mendelics
Classification: Uncertain significance for Mosaic variegated aneuploidy syndrome 1. Last evaluated: 2019-05-28. Review status: criteria provided, single submitter. Criteria: Mendelics Assertion Criteria 2017. Collection method: clinical testing. Allele origin: unknown.

OMIM
Classification: Pathogenic for MOSAIC VARIEGATED ANEUPLOIDY SYNDROME 1. Last evaluated: 2004-11-01. Review status: no assertion criteria provided. Collection method: literature only. Allele origin: germline. Not counted in ClinVar's aggregate classification.

OMIM
Classification: Affects for PREMATURE CHROMATID SEPARATION TRAIT. Last evaluated: 2004-11-01. Review status: no assertion criteria provided. Collection method: literature only. Allele origin: germline. Not counted in ClinVar's aggregate classification.

Literature cited by the submitters: PubMed 15475955 (cited by 3 submitters); PubMed 18548531 (cited by Labcorp Genetics (formerly Invitae), Labcorp); PubMed 28767289 (cited by Labcorp Genetics (formerly Invitae), Labcorp); PubMed 29625052 (cited by Labcorp Genetics (formerly Invitae), Labcorp); PubMed 36451132 (cited by Labcorp Genetics (formerly Invitae), Labcorp); PubMed 20516114 (cited by Labcorp Genetics (formerly Invitae), Labcorp and Ambry Genetics).